The following is an entry in ClinVar:

NM_033337.3(CAV3):c.152C>T (p.Thr51Ile)

Genes: CAV3 (caveolin 3; plus strand), OXTR (oxytocin receptor; minus strand). Cytogenetic location: 3p25.3.
Variant type: single nucleotide variant.
Coding change: c.152C>T on transcript NM_033337.3 (MANE Select); coding-DNA position 152, C replaced by T.
Protein change: p.Thr51Ile; replaces threonine 51 with isoleucine.
Molecular consequence: missense variant.
Genome position (GRCh38, 1-based): chr3:8,745,563, C>T. VCF-style: chr3-8745563-C-T. GRCh37 (hg19) VCF-style: chr3-8787249-C-T.
Other names: c.152C>T, p.Thr51Ile (NM_001234.5); short protein forms T51I.
Identifiers: ClinVar variation 1489175 (VCV001489175.5), dbSNP rs1708129603, ClinGen allele CA351663181.
Genomic context (GRCh38, chr3:8,745,563, plus strand): 5'-GCTTCCCCTTGCCACCCCTGCAGGTGGATTTTGAAGACGTGATCGCAGAGCCTGTGGGCA[C>T]CTACAGCTTTGACGGCGTGTGGAAGGTGAGCTACACCACCTTCACTGTCTCCAAGTACTG-3'
Protein context (NP_203123.1, residues 41-61): FEDVIAEPVG[Thr51Ile]YSFDGVWKVS

ClinVar aggregate classification (germline): Uncertain significance. Review status: criteria provided, multiple submitters, no conflicts (2 of 4 stars). 2 submissions from 2 submitters: Uncertain significance (2). Last evaluated 2023-11-20.

Conditions:
Long QT syndrome (LQTS). Identifiers: MedGen C0023976, MeSH D008133, MONDO:0002442. Disease mechanism: loss of function. Inheritance: Various modes of inheritance.

Allele frequency attached by ClinVar (database versions not stated): TOPMed below 0.00001.

Submissions (2):

Revvity Omics, Revvity
Classification: Uncertain significance. Last evaluated: 2023-11-20. Review status: criteria provided, single submitter. Criteria: ACMG Guidelines, 2015. Collection method: clinical testing. Allele origin: germline.

Labcorp Genetics (formerly Invitae), Labcorp
Classification: Uncertain significance for Long QT syndrome. Last evaluated: 2021-10-11. Review status: criteria provided, single submitter. Criteria: Invitae Variant Classification Sherloc (09022015). Collection method: clinical testing. Allele origin: germline.
Comment: This sequence change replaces threonine with isoleucine at codon 51 of the CAV3 protein (p.Thr51Ile). The threonine residue is highly conserved and there is a moderate physicochemical difference between threonine and isoleucine. This variant is not present in population databases (ExAC no frequency). This variant has not been reported in the literature in individuals affected with CAV3-related conditions. Algorithms developed to predict the effect of missense changes on protein structure and function (SIFT, PolyPhen-2, Align-GVGD) all suggest that this variant is likely to be disruptive. In summary, the available evidence is currently insufficient to determine the role of this variant in disease. Therefore, it has been classified as a Variant of Uncertain Significance.